The following is an entry in ClinVar:

ClinVar aggregate classification (germline): Uncertain significance. Review status: criteria provided, multiple submitters, no conflicts (2 of 4 stars). 3 submissions from 3 submitters: Uncertain significance (3). Last evaluated 2024-11-22.

Conditions:
Neurodevelopmental disorder with seizures and nonepileptic hyperkinetic movements. Identifiers: MedGen C5193128, MONDO:0032784, OMIM 618497.

Allele frequency attached by ClinVar (database versions not stated): gnomAD 0.00007; ExAC 0.00008; ESP Exome Variant Server 0.00008; gnomAD exomes 0.00011; TOPMed 0.00023.
gnomAD v4.1: 181 of 1,609,436 alleles (0.011%); highest among the groups gnomAD compares: Non-Finnish European, 0.013%; no homozygotes.

Submissions (3):

Blueprint Genetics
Classification: Uncertain significance. Last evaluated: 2024-11-22. Review status: criteria provided, single submitter. Criteria: ACMG Guidelines, 2015. Collection method: clinical testing. Allele origin: germline.

Labcorp Genetics (formerly Invitae), Labcorp
Classification: Uncertain significance. Last evaluated: 2024-10-17. Review status: criteria provided, single submitter. Criteria: Invitae Variant Classification Sherloc (09022015). Collection method: clinical testing. Allele origin: germline.
Comment: This sequence change replaces threonine, which is neutral and polar, with isoleucine, which is neutral and non-polar, at codon 2317 of the CACNA1B protein (p.Thr2317Ile). This variant is present in population databases (rs200035679, gnomAD 0.01%). This variant has not been reported in the literature in individuals affected with CACNA1B-related conditions. ClinVar contains an entry for this variant (Variation ID: 2061023). An algorithm developed to predict the effect of missense changes on protein structure and function (PolyPhen-2) suggests that this variant is likely to be disruptive. In summary, the available evidence is currently insufficient to determine the role of this variant in disease. Therefore, it has been classified as a Variant of Uncertain Significance.

Genomic Medicine Center of Excellence, King Faisal Specialist Hospital and Research Centre
Classification: Uncertain significance for Neurodevelopmental disorder with seizures and nonepileptic hyperkinetic movements. Last evaluated: 2024-04-04. Review status: criteria provided, single submitter. Criteria: ACMG Guidelines, 2015. Collection method: clinical testing. Allele origin: germline.

NM_000718.4(CACNA1B):c.6950C>T (p.Thr2317Ile)

Gene: CACNA1B (calcium voltage-gated channel subunit alpha1 B; plus strand). Cytogenetic location: 9q34.3.
Variant type: single nucleotide variant.
Coding change: c.6950C>T on transcript NM_000718.4 (MANE Select); coding-DNA position 6950, C replaced by T.
Protein change: p.Thr2317Ile; replaces threonine 2317 with isoleucine.
Molecular consequence: missense variant. On other transcripts: 3 prime UTR variant (1).
Genome position (GRCh38, 1-based): chr9:138,121,929, C>T. VCF-style: chr9-138121929-C-T. GRCh37 (hg19) VCF-style: chr9-141016381-C-T.
Other names: c.*49C>T (NM_001243812.2); short protein forms T2317I.
Identifiers: ClinVar variation 2061023 (VCV002061023.4), dbSNP rs200035679, ClinGen allele CA5377844.
Genomic context (GRCh38, chr9:138,121,929, plus strand): 5'-TGTCCTCCCTGACCTCCCAGTCTCACCCTCTCCGCCGCGTGCCCAACGGTTACCACTGCA[C>T]CCTGGGACTCAGCTCGGGTGGCCGAGCACGGCACAGCTACCACCACCCTGACCAAGACCA-3'
Protein context (NP_000709.1, residues 2307-2327): LRRVPNGYHC[Thr2317Ile]LGLSSGGRAR